The following is an entry in ClinVar:

NM_004006.3(DMD):c.8038C>G (p.Arg2680Gly)

Gene: DMD (dystrophin; minus strand). Cytogenetic location: Xp21.1.
Variant type: single nucleotide variant.
Coding change: c.8038C>G on transcript NM_004006.3 (MANE Select); coding-DNA position 8038, C replaced by G.
Protein change: p.Arg2680Gly; replaces arginine 2680 with glycine.
Molecular consequence: missense variant.
Genome position (GRCh38, 1-based): chrX:31,627,852, G>C on the plus strand (C>G on the coding strand, the complement: DMD is on the minus strand). VCF-style: chrX-31627852-G-C. GRCh37 (hg19) VCF-style: chrX-31645969-G-C.
Other names: c.8014C>G, p.Arg2672Gly (NM_000109.4); c.8026C>G, p.Arg2676Gly (NM_004009.3); c.7669C>G, p.Arg2557Gly (NM_004010.3); c.4015C>G, p.Arg1339Gly (NM_004011.4); c.4006C>G, p.Arg1336Gly (NM_004012.4); c.658C>G, p.Arg220Gly (NM_004013.3, NM_004020.4, NM_004021.3 and 2 more transcripts); short protein forms R1336G, R2680G, R1339G, R2557G, R2676G, R220G, R2672G.
Identifiers: ClinVar variation 3634802 (VCV003634802.2).

ClinVar aggregate classification (germline): Uncertain significance (1 of 4 stars; one submission).

Conditions:
Duchenne muscular dystrophy (DMD). Also called: MUSCULAR DYSTROPHY, PSEUDOHYPERTROPHIC PROGRESSIVE, DUCHENNE TYPE; Duchenne Muscular Dystrophy (DMD). Identifiers: Orphanet 98896, MedGen C0013264, MONDO:0010679, OMIM 310200.

gnomAD v4.1: 1 of 1,207,208 alleles (0.000083%); highest among the groups gnomAD compares: East Asian, 0.003%; no homozygotes.

Submission:

Labcorp Genetics (formerly Invitae), Labcorp
Classification: Uncertain significance for Duchenne muscular dystrophy. Last evaluated: 2024-09-05. Review status: criteria provided, single submitter. Criteria: Invitae Variant Classification Sherloc (09022015). Collection method: clinical testing. Allele origin: germline.
Comment: This sequence change replaces arginine, which is basic and polar, with glycine, which is neutral and non-polar, at codon 2680 of the DMD protein (p.Arg2680Gly). This variant is present in population databases (no rsID available, gnomAD 0.008%). This variant has not been reported in the literature in individuals affected with DMD-related conditions. Invitae Evidence Modeling of protein sequence and biophysical properties (such as structural, functional, and spatial information, amino acid conservation, physicochemical variation, residue mobility, and thermodynamic stability) indicates that this missense variant is not expected to disrupt DMD protein function with a negative predictive value of 95%. In summary, the available evidence is currently insufficient to determine the role of this variant in disease. Therefore, it has been classified as a Variant of Uncertain Significance.